The following is an entry in ClinVar:

ClinVar aggregate classification (germline): Uncertain significance (1 of 4 stars; one submission).

Conditions:
Familial thoracic aortic aneurysm and aortic dissection (TAAD). Also called: Thoracic aortic aneurysms and dissections. Identifiers: Orphanet 91387, MedGen C4707243, MONDO:0019625.

Allele frequency attached by ClinVar (database versions not stated): gnomAD exomes 0.00001.
gnomAD v4.1: 7 of 1,612,630 alleles (0.00043%); highest among the groups gnomAD compares: Non-Finnish European, 0.00059%; no homozygotes.

Submission:

Ambry Genetics
Classification: Uncertain significance for Familial thoracic aortic aneurysm and aortic dissection. Last evaluated: 2024-01-13. Review status: criteria provided, single submitter. Criteria: Ambry Variant Classification Scheme 2023. Collection method: clinical testing. Allele origin: germline.
Comment: The p.S335T variant (also known as c.1003T>A), located in coding exon 9 of the PRKG1 gene, results from a T to A substitution at nucleotide position 1003. The serine at codon 335 is replaced by threonine, an amino acid with similar properties. This amino acid position is conserved. In addition, the in silico prediction for this alteration is inconclusive. Since supporting evidence is limited at this time, the clinical significance of this alteration remains unclear.

NM_006258.4(PRKG1):c.1003T>A (p.Ser335Thr)

Gene: PRKG1 (protein kinase cGMP-dependent 1; plus strand). Cytogenetic location: 10q21.1.
Variant type: single nucleotide variant.
Coding change: c.1003T>A on transcript NM_006258.4 (MANE Select); coding-DNA position 1003, T replaced by A.
Protein change: p.Ser335Thr; replaces serine 335 with threonine.
Molecular consequence: missense variant. On other transcripts: 5 prime UTR variant (1).
Genome position (GRCh38, 1-based): chr10:52,161,890, T>A. VCF-style: chr10-52161890-T-A. GRCh37 (hg19) VCF-style: chr10-53921650-T-A.
Other names: c.958T>A, p.Ser320Thr (NM_001098512.3); c.-207T>A (NM_001374781.1); short protein forms S320T, S335T.
Identifiers: ClinVar variation 3225514 (VCV003225514.1), dbSNP rs2492440857, ClinGen allele CA376534433.